The following is an entry in ClinVar:

ClinVar aggregate classification (germline): Uncertain significance (1 of 4 stars; one submission).

Conditions:
Luscan-Lumish syndrome. Identifiers: Orphanet 597738, MedGen C4085873, MONDO:0014791, OMIM 616831.

Allele frequency attached by ClinVar (database versions not stated): gnomAD exomes below 0.00001 and 0.00001; TOPMed below 0.00001.
gnomAD v4.1: 4 of 1,614,166 alleles (0.00025%); highest among the groups gnomAD compares: Admixed American, 0.0017%; no homozygotes.

Submission:

Labcorp Genetics (formerly Invitae), Labcorp
Classification: Uncertain significance for Luscan-Lumish syndrome. Last evaluated: 2019-10-18. Review status: criteria provided, single submitter. Criteria: Invitae Variant Classification Sherloc (09022015). Collection method: clinical testing. Allele origin: germline.
Comment: In summary, the available evidence is currently insufficient to determine the role of this variant in disease. Therefore, it has been classified as a Variant of Uncertain Significance. Algorithms developed to predict the effect of missense changes on protein structure and function (SIFT, PolyPhen-2, Align-GVGD) all suggest that this variant is likely to be tolerated, but these predictions have not been confirmed by published functional studies and their clinical significance is uncertain. This variant has not been reported in the literature in individuals with SETD2-related conditions. This variant is not present in population databases (ExAC no frequency). This sequence change replaces lysine with glutamic acid at codon 1963 of the SETD2 protein (p.Lys1963Glu). The lysine residue is moderately conserved and there is a small physicochemical difference between lysine and glutamic acid.

NM_014159.7(SETD2):c.5887A>G (p.Lys1963Glu)

Gene: SETD2 (SET domain containing 2, histone lysine methyltransferase; minus strand). Cytogenetic location: 3p21.31.
Variant type: single nucleotide variant.
Coding change: c.5887A>G on transcript NM_014159.7 (MANE Select); coding-DNA position 5887, A replaced by G.
Protein change: p.Lys1963Glu; replaces lysine 1963 with glutamic acid.
Molecular consequence: missense variant. On other transcripts: non-coding transcript variant (1).
Genome position (GRCh38, 1-based): chr3:47,083,893, T>C on the plus strand (A>G on the coding strand, the complement: SETD2 is on the minus strand). VCF-style: chr3-47083893-T-C. GRCh37 (hg19) VCF-style: chr3-47125383-T-C.
Other names: c.5755A>G, p.Lys1919Glu (NM_001349370.3); short protein forms K1919E, K1963E.
Identifiers: ClinVar variation 960032 (VCV000960032.6), dbSNP rs1482463965, ClinGen allele CA352531338.